The following is an entry in ClinVar:

ClinVar aggregate classification (germline): Pathogenic (1 of 4 stars; one submission).

Conditions:
LAMA2-related muscular dystrophy (LAMA2-RD). Also called: Laminin alpha 2-related dystrophy. Identifiers: MedGen C5679788, MONDO:0100228.

Submission:

Labcorp Genetics (formerly Invitae), Labcorp
Classification: Pathogenic for LAMA2-related muscular dystrophy. Last evaluated: 2019-08-03. Review status: criteria provided, single submitter. Criteria: Invitae Variant Classification Sherloc (09022015). Collection method: clinical testing. Allele origin: germline.
Comment: For these reasons, this variant has been classified as Pathogenic. Loss-of-function variants in LAMA2 are known to be pathogenic (PMID: 18700894). This variant has not been reported in the literature in individuals with LAMA2-related conditions. This variant is not present in population databases (ExAC no frequency). This sequence change creates a premature translational stop signal (p.Leu681Phefs*2) in the LAMA2 gene. It is expected to result in an absent or disrupted protein product.

Literature cited by the submitters: PubMed 18700894.

NM_000426.4(LAMA2):c.2043delinsCT (p.Leu681fs)

Gene: LAMA2 (laminin subunit alpha 2; plus strand). Cytogenetic location: 6q22.33.
Variant type: Indel.
Coding change: c.2043delinsCT on transcript NM_000426.4 (MANE Select); coding-DNA position 2043, G replaced by CT.
Protein change: p.Leu681fs; shifts the reading frame from leucine 681.
Molecular consequence: frameshift variant.
Genome position (GRCh38, 1-based): chr6:129,252,242, G replaced by CT. VCF-style: chr6-129252242-G-CT. GRCh37 (hg19) VCF-style: chr6-129573387-G-CT.
Other names: c.2043delinsCT, p.Leu681fs (NM_001079823.2); short protein forms L681fs.
Identifiers: ClinVar variation 965640 (VCV000965640.6), dbSNP rs1786309735, ClinGen allele CA1139659808.
Genomic context (GRCh38, chr6:129,252,242, plus strand): 5'-CATACATGGCACACATTTTCCAGTCCGTAGAAAGGAATTTATGACAGTGCTTGCGAATTT[G>CT]AAGAGAGTCCTCCTACAAATCACATACAGCTTTGGGATGGATGCCATCTTCAGGTAAAAT-3'